The following is an entry in ClinVar:

NM_024426.6(WT1):c.1031A>T (p.Tyr344Phe)

Gene: WT1 (WT1 transcription factor; minus strand). Cytogenetic location: 11p13.
Variant type: single nucleotide variant.
Coding change: c.1031A>T on transcript NM_024426.6 (MANE Select); coding-DNA position 1031, A replaced by T.
Protein change: p.Tyr344Phe; replaces tyrosine 344 with phenylalanine.
Molecular consequence: missense variant. On other transcripts: 5 prime UTR variant (1), non-coding transcript variant (2).
Genome position (GRCh38, 1-based): chr11:32,400,030, T>A on the plus strand (A>T on the coding strand, the complement: WT1 is on the minus strand). VCF-style: chr11-32400030-T-A. GRCh37 (hg19) VCF-style: chr11-32421576-T-A.
Other names: c.1016A>T (NM_024426.4); c.980A>T, p.Tyr327Phe (NM_000378.6, NM_001407045.1, NM_001407048.1 and 1 more transcripts); c.380A>T, p.Tyr127Phe (NM_001198551.2); c.329A>T, p.Tyr110Phe (NM_001198552.2); c.-158A>T (NM_001367854.1); c.1025A>T, p.Tyr342Phe (NM_001407044.1); c.1031A>T, p.Tyr344Phe (NM_001407046.1, NM_024424.5); c.908A>T, p.Tyr303Phe (NM_001407047.1); and 5 more; short protein forms Y110F, Y127F, Y254F, Y271F, Y286F, Y303F, Y322F, Y327F.
Identifiers: ClinVar variation 3069639 (VCV003069639.2), dbSNP rs1852103005, ClinGen allele CA379960517.

ClinVar aggregate classification (germline): Uncertain significance. Review status: criteria provided, multiple submitters, no conflicts (2 of 4 stars). 2 submissions from 2 submitters: Uncertain significance (2). Last evaluated 2025-07-28.

Conditions:
Inborn genetic diseases. Identifiers: MedGen C0950123, MeSH D030342.
Wilms tumor 1 (WT1). Also called: Wilms tumor, somatic. Identifiers: Orphanet 654, MedGen CN033288, MONDO:0008679, OMIM 194070.

Submissions (2):

Ambry Genetics
Classification: Uncertain significance for Inborn genetic diseases. Last evaluated: 2025-07-28. Review status: criteria provided, single submitter. Criteria: Ambry Variant Classification Scheme 2023. Collection method: clinical testing. Allele origin: germline.
Comment: The p.Y339F variant (also known as c.1016A>T), located in coding exon 6 of the WT1 gene, results from an A to T substitution at nucleotide position 1016. The tyrosine at codon 339 is replaced by phenylalanine, an amino acid with highly similar properties. This amino acid position is conserved. In addition, the in silico prediction for this alteration is inconclusive. Based on the available evidence, the clinical significance of this variant remains unclear.

All of Us Research Program, National Institutes of Health
Classification: Uncertain significance for Wilms tumor 1. Last evaluated: 2023-02-24. Review status: criteria provided, single submitter. Criteria: ACMG Guidelines, 2015. Collection method: clinical testing. Allele origin: germline. Inheritance: Autosomal dominant inheritance. Observed: 1 variant allele, 1 heterozygote.
Comment: This missense variant replaces tyrosine with phenylalanine at codon 339 in the WT1 protein. This variant is also known as c.1031A>T (p.Tyr344Phe) based on alternative transcripts, ENST00000452863 and NM_024426.6. Computational prediction is inconclusive regarding the impact of this variant on protein structure and function (internally defined REVEL score threshold 0.5 < inconclusive < 0.7, PMID: 27666373). To our knowledge, functional studies have not been reported for this variant. This variant has not been reported in individuals affected with hereditary cancer in the literature. This variant has not been identified in the general population by the Genome Aggregation Database (gnomAD). The available evidence is insufficient to determine the role of this variant in disease conclusively. Therefore, this variant is classified as a Variant of Uncertain Significance.

This study involves interpretation of variants in research participants for the purpose of population health screening. Participant phenotype was not available at the time of variant classification. Additional details can be found in publication PMID: 35346344, PMCID: PMC8962531